The following is an entry in ClinVar:

NM_006662.3(SRCAP):c.3313T>C (p.Ser1105Pro)

Gene: SRCAP (Snf2 related CREBBP activator protein; plus strand). Cytogenetic location: 16p11.2.
Variant type: single nucleotide variant.
Coding change: c.3313T>C on transcript NM_006662.3 (MANE Select); coding-DNA position 3313, T replaced by C.
Protein change: p.Ser1105Pro; replaces serine 1105 with proline.
Molecular consequence: missense variant.
Genome position (GRCh38, 1-based): chr16:30,721,248, T>C. VCF-style: chr16-30721248-T-C. GRCh37 (hg19) VCF-style: chr16-30732569-T-C.
Other names: short protein forms S1105P.
Identifiers: ClinVar variation 4083233 (VCV004083233.1).

ClinVar aggregate classification (germline): Uncertain significance (1 of 4 stars; one submission).

gnomAD v4.1: 2 of 1,614,018 alleles (0.00012%); no homozygotes.

Submission:

GeneDx
Classification: Uncertain significance. Last evaluated: 2025-03-09. Review status: criteria provided, single submitter. Criteria: GeneDx Variant Classification Process June 2021. Collection method: clinical testing. Allele origin: germline. Affected: yes.
Comment: Not observed at significant frequency in large population cohorts (gnomAD); In silico analysis indicates that this missense variant does not alter protein structure/function; Has not been previously published as pathogenic or benign to our knowledge